The following is an entry in ClinVar:

NM_005529.7(HSPG2):c.1259G>A (p.Arg420Gln)

Gene: HSPG2 (heparan sulfate proteoglycan 2; minus strand). Cytogenetic location: 1p36.12.
Variant type: single nucleotide variant.
Coding change: c.1259G>A on transcript NM_005529.7 (MANE Select); coding-DNA position 1259, G replaced by A.
Protein change: p.Arg420Gln; replaces arginine 420 with glutamine.
Molecular consequence: missense variant.
Genome position (GRCh38, 1-based): chr1:21,885,109, C>T on the plus strand (G>A on the coding strand, the complement: HSPG2 is on the minus strand). VCF-style: chr1-21885109-C-T. GRCh37 (hg19) VCF-style: chr1-22211602-C-T.
Other names: c.1259G>A (NM_005529.5); c.1259G>A, p.Arg420Gln (NM_001291860.2); short protein forms R420Q.
Identifiers: ClinVar variation 993662 (VCV000993662.22), dbSNP rs143706338, ClinGen allele CA673500.

ClinVar aggregate classification (germline): Uncertain significance. Review status: criteria provided, multiple submitters, no conflicts (2 of 4 stars). 7 submissions from 7 submitters: Uncertain significance (7). Last evaluated 2025-06-23.

Conditions:
Inborn genetic diseases. Identifiers: MedGen C0950123, MeSH D030342.
Connective tissue disorder. Also called: Connective tissue disease. Identifiers: MedGen C0009782, MONDO:0003900.

Allele frequency attached by ClinVar (database versions not stated): ExAC 0.00025; ESP Exome Variant Server 0.00023; gnomAD 0.00019; TOPMed 0.00019; gnomAD exomes 0.00022 and 0.00043.
gnomAD v4.1: 654 of 1,612,838 alleles (0.041%); highest among the groups gnomAD compares: Non-Finnish European, 0.052%; no homozygotes.

Submissions (7):

GeneDx
Classification: Uncertain significance. Last evaluated: 2025-06-23. Review status: criteria provided, single submitter. Criteria: GeneDx Variant Classification Process June 2021. Collection method: clinical testing. Allele origin: germline. Affected: yes.
Comment: In silico analysis suggests that this missense variant does not alter protein structure/function; Has not been previously published as pathogenic or benign to our knowledge

Ambry Genetics
Classification: Uncertain significance for Inborn genetic diseases. Last evaluated: 2023-12-27. Review status: criteria provided, single submitter. Criteria: Ambry Variant Classification Scheme 2023. Collection method: clinical testing. Allele origin: germline.

Athena Diagnostics
Classification: Uncertain significance. Last evaluated: 2023-06-23. Review status: criteria provided, single submitter. Criteria: Athena Diagnostics Criteria. Collection method: clinical testing. Allele origin: unknown.
Comment: Available data are insufficient to determine the clinical significance of the variant at this time. The frequency of this variant in the general population is uninformative in assessment of its pathogenicity. Computational tools disagree on the variant's effect on normal protein function.

Labcorp Genetics (formerly Invitae), Labcorp
Classification: Uncertain significance. Last evaluated: 2023-06-06. Review status: criteria provided, single submitter. Criteria: Invitae Variant Classification Sherloc (09022015). Collection method: clinical testing. Allele origin: germline.
Comment: In summary, the available evidence is currently insufficient to determine the role of this variant in disease. Therefore, it has been classified as a Variant of Uncertain Significance. An algorithm developed to predict the effect of missense changes on protein structure and function (PolyPhen-2) suggests that this variant is likely to be disruptive. ClinVar contains an entry for this variant (Variation ID: 993662). This variant has not been reported in the literature in individuals affected with HSPG2-related conditions. This variant is present in population databases (rs143706338, gnomAD 0.04%). This sequence change replaces arginine, which is basic and polar, with glutamine, which is neutral and polar, at codon 420 of the HSPG2 protein (p.Arg420Gln).

Genome Diagnostics Laboratory, The Hospital for Sick Children
Classification: Uncertain significance for Connective tissue disorder. Last evaluated: 2022-01-19. Review status: criteria provided, single submitter. Criteria: ACMG Guidelines, 2015. Collection method: clinical testing. Allele origin: germline.

Revvity Omics, Revvity
Classification: Uncertain significance. Last evaluated: 2020-01-13. Review status: criteria provided, single submitter. Criteria: ACMG Guidelines, 2015. Collection method: clinical testing. Allele origin: germline.

ARUP Laboratories, Molecular Genetics and Genomics, ARUP Laboratories
Classification: Uncertain significance. Last evaluated: 2019-11-04. Review status: criteria provided, single submitter. Criteria: ARUP Molecular Germline Variant Investigation Process. Collection method: clinical testing. Allele origin: germline.
Comment: The HSPG2 c.1259G>A; p.Arg420Gln variant (rs143706338), to our knowledge, is not reported in the medical literature but is reported in the Leiden open variation database (see link). This variant is found in the general population with an overall allele frequency of 0.021% (58/278778 alleles) in the Genome Aggregation Database. The arginine at codon 420 is moderately conserved, and computational analyses (SIFT: tolerated, PolyPhen-2: probably damaging) predict conflicting effects of this variant on protein structure/function. Due to limited information, the clinical significance of the p.Arg420Gln variant is uncertain at this time. References: Link to Leiden open variation database